The following is an entry in ClinVar:

NM_001851.6(COL9A1):c.781-98C>T

Gene: COL9A1 (collagen type IX alpha 1 chain; minus strand). Cytogenetic location: 6q13.
Variant type: single nucleotide variant.
Coding change: c.781-98C>T on transcript NM_001851.6 (MANE Select); 98 bases into the intron before coding-DNA position 781, C replaced by T.
Molecular consequence: intron variant. On other transcripts: synonymous variant (3), non-coding transcript variant (1).
Genome position (GRCh38, 1-based): chr6:70,283,016, G>A on the plus strand (C>T on the coding strand, the complement: COL9A1 is on the minus strand). VCF-style: chr6-70283016-G-A. GRCh37 (hg19) VCF-style: chr6-70992719-G-A.
Other names: c.37C>T, p.Leu13= (NM_001377289.1, NM_001377290.1, NM_078485.4); c.781-98C>T (NM_001377291.1).
Identifiers: ClinVar variation 4988158 (VCV004988158.1).

ClinVar aggregate classification (germline): Likely benign (1 of 4 stars; one submission).

Conditions:
COL9A1-related disorder. Also called: COL9A1-related condition; COL9A1-related disorders.

gnomAD v4.1: 5 of 1,611,296 alleles (0.00031%); highest among the groups gnomAD compares: African/African-American, 0.0067%; no homozygotes.

Submission:

PreventionGenetics, part of Exact Sciences
Classification: Likely benign for COL9A1-related condition. Last evaluated: 2024-10-23. Review status: criteria provided, single submitter. Criteria: ACMG Guidelines, 2015. Collection method: clinical testing. Allele origin: germline.
Comment: This variant is classified as likely benign based on ACMG/AMP sequence variant interpretation guidelines (Richards et al. 2015 PMID: 25741868, with internal and published modifications).